The following is an entry in ClinVar:

NM_000169.3(GLA):c.924A>T (p.Lys308Asn)

Genes: GLA (galactosidase alpha; minus strand), RPL36A-HNRNPH2 (RPL36A-HNRNPH2 readthrough; plus strand). Cytogenetic location: Xq22.1.
Variant type: single nucleotide variant.
Coding change: c.924A>T on transcript NM_000169.3 (MANE Select); coding-DNA position 924, A replaced by T.
Protein change: p.Lys308Asn; replaces lysine 308 with asparagine.
Molecular consequence: missense variant. On other transcripts: non-coding transcript variant (3), intron variant (2).
Genome position (GRCh38, 1-based): chrX:101,398,445, T>A on the plus strand (A>T on the coding strand, the complement: GLA is on the minus strand). VCF-style: chrX-101398445-T-A. GRCh37 (hg19) VCF-style: chrX-100653433-T-A.
Other names: c.1047A>T, p.Lys349Asn (NM_001406747.1); c.924A>T, p.Lys308Asn (NM_001406748.1); c.300+2988T>A (NM_001199973.2); c.177+6623T>A (NM_001199974.2); short protein forms K308N, K349N.
Identifiers: ClinVar variation 4087581 (VCV004087581.2).

ClinVar aggregate classification (germline): Pathogenic (1 of 4 stars; one submission).

Conditions:
Fabry disease. Also called: ALPHA-GALACTOSIDASE A DEFICIENCY; ANDERSON-FABRY DISEASE; CERAMIDE TRIHEXOSIDASE DEFICIENCY; GLA DEFICIENCY; HEREDITARY DYSTOPIC LIPIDOSIS; Angiokeratoma corporis diffusum. Identifiers: Orphanet 324, MedGen C0002986, MONDO:0010526, OMIM 301500, HP:0001071. Disease mechanism: Fabry disease is due to inactivating mutations in the X-linked GLA gene resulting in deficiency of the enzyme Alpha Galactosidase-A., loss of function.

Submission:

Genomenon, Inc
Classification: Pathogenic for Fabry disease. Last evaluated: 2026-09-08. Review status: criteria provided, single submitter. Criteria: Genomenon Sequence Variant Interpretation Standards - Updated. Collection method: curation. Allele origin: germline. Affected: yes.
Comment: GLA p.Lys308Asn (c.924A>T) is a missense variant that changes the amino acid at codon 308 from Lysine to Asparagine. This variant has been observed in at least one proband with clinical features consistent with Fabry disease (PMID:18205205;30464119). The variant was found to segregate with disease in at least one affected family (PMID:30464119). At least one functional study has demonstrated a substantial alteration in protein function relative to the wild-type (PMID:18205205). It is absent or not present at a significant frequency in gnomAD. In silico models predict that this variant is possibly or probably damaging. In conclusion, we classify GLA p.Lys308Asn (c.924A>T) as a pathogenic variant.

Literature cited by the submitters: PubMed 18205205; PubMed 30464119.